The following is an entry in ClinVar:

ClinVar aggregate classification (germline): Likely pathogenic (1 of 4 stars; one submission).

Conditions:
Neurodevelopmental disorder with hypotonia, brain anomalies, distinctive facies, and absent language. Also called: ReNU SYNDROME; RNU4-2-Related Neurodevelopmental Disorder; RNU4-2–Related Autosomal Dominant Neurodevelopmental Disorder. Identifiers: Orphanet 686488, MedGen C5935628, MONDO:0971172, OMIM 620851.

Submission:

Centre for Population Genomics, CPG
Classification: Likely pathogenic for RNU4-2-Related Neurodevelopmental Disorder. Last evaluated: 2026-02-11. Review status: criteria provided, single submitter. Criteria: Ellingford et al. (Genome Med. 2022). Collection method: research. Allele origin: germline. Inheritance: Autosomal recessive inheritance. Affected: yes. Observed: 2 variant alleles, 2 homozygotes.
Comment: PM2_supp,PS3_supp,PM1,PM5,PM3_supp

NR_003137.3(RNU4-2):n.32G>A

Genes: RNU4-2 (RNA, U4 small nuclear 2; minus strand), SIRT4 (sirtuin 4; plus strand). Cytogenetic location: 12q24.23.
Variant type: single nucleotide variant.
Molecular consequence: non-coding transcript variant (on NR_003137.3).
Genome position: GRCh38 VCF-style: chr12-120291872-C-T. GRCh37 (hg19) VCF-style: chr12-120729675-C-T.
Identifiers: ClinVar variation 4795831 (VCV004795831.1).